The following is an entry in ClinVar:

ClinVar aggregate classification (germline): Uncertain significance (1 of 4 stars; one submission).

Conditions:
Developmental and epileptic encephalopathy, 30 (DEE30). Also called: Epileptic encephalopathy, early infantile, 30. Identifiers: MedGen C4225360, MONDO:0014595, OMIM 616341.

Submission:

Labcorp Genetics (formerly Invitae), Labcorp
Classification: Uncertain significance for Developmental and epileptic encephalopathy, 30. Last evaluated: 2022-07-25. Review status: criteria provided, single submitter. Criteria: Invitae Variant Classification Sherloc (09022015). Collection method: clinical testing. Allele origin: germline.
Comment: In summary, the available evidence is currently insufficient to determine the role of this variant in disease. Therefore, it has been classified as a Variant of Uncertain Significance. Algorithms developed to predict the effect of missense changes on protein structure and function are either unavailable or do not agree on the potential impact of this missense change (SIFT: "Not Available"; PolyPhen-2: "Benign"; Align-GVGD: "Not Available"). ClinVar contains an entry for this variant (Variation ID: 1016542). This variant has not been reported in the literature in individuals affected with SIK1-related conditions. This variant is present in population databases (no rsID available, gnomAD 0.04%). This sequence change replaces proline with leucine at codon 524 of the SIK1 protein (p.Pro524Leu). The proline residue is weakly conserved and there is a moderate physicochemical difference between proline and leucine.

NM_173354.5(SIK1):c.1571_1572delinsTC (p.Pro524Leu)

Gene: SIK1 (salt inducible kinase 1; minus strand). Cytogenetic location: 21q22.3.
Variant type: Indel.
Coding change: c.1571_1572delinsTC on transcript NM_173354.5 (MANE Select); coding-DNA positions 1571 to 1572, CG replaced by TC.
Protein change: p.Pro524Leu; replaces proline 524 with leucine.
Molecular consequence: missense variant.
Genome position (GRCh38, 1-based): chr21:43,418,432-43,418,433, CG replaced by GA on the plus strand (CG replaced by TC on the coding strand, the reverse complement: SIK1 is on the minus strand). VCF-style: chr21-43418432-CG-GA. GRCh37 (hg19) VCF-style: chr21-44838312-CG-GA.
Other names: short protein forms P524L.
Identifiers: ClinVar variation 1016542 (VCV001016542.10), dbSNP rs2081042565, ClinGen allele CA2391216841.
Genomic context (GRCh38, chr21:43,418,432, plus strand): 5'-CCCCAGGAAGGGCGAGGCCAGCCTGACCGGGGAGCAGGCGCCCAGCAGCCCCTGAGTGGC[CG>GA]GGGTGCCACTGAGCCCCGCGGGGCTTTTGCTCGCAGAGAAGGTCAGACAACTGTCAGAGC-3'
Protein context (NP_775490.2, residues 514-534): SKSPAGLSGT[Pro524Leu]ATQGLLGACS